The following is an entry in ClinVar:

ClinVar aggregate classification (germline): Uncertain significance. Review status: criteria provided, multiple submitters, no conflicts (2 of 4 stars). 2 submissions from 2 submitters: Uncertain significance (2). Last evaluated 2024-06-11.

Conditions:
Inborn genetic diseases. Identifiers: MedGen C0950123, MeSH D030342.

Allele frequency attached by ClinVar (database versions not stated): gnomAD 0.00001; TOPMed 0.00001; gnomAD exomes 0.00002.
gnomAD v4.1: 25 of 1,613,822 alleles (0.0015%); highest among the groups gnomAD compares: Non-Finnish European, 0.0021%; no homozygotes.

Submissions (2):

Labcorp Genetics (formerly Invitae), Labcorp
Classification: Uncertain significance. Last evaluated: 2024-06-11. Review status: criteria provided, single submitter. Criteria: Invitae Variant Classification Sherloc (09022015). Collection method: clinical testing. Allele origin: germline.
Comment: This sequence change replaces alanine, which is neutral and non-polar, with threonine, which is neutral and polar, at codon 220 of the BRD4 protein (p.Ala220Thr). This variant is present in population databases (rs201727438, gnomAD 0.002%). This variant has not been reported in the literature in individuals affected with BRD4-related conditions. ClinVar contains an entry for this variant (Variation ID: 2596245). Advanced modeling of protein sequence and biophysical properties (such as structural, functional, and spatial information, amino acid conservation, physicochemical variation, residue mobility, and thermodynamic stability) performed at Invitae indicates that this missense variant is not expected to disrupt BRD4 protein function with a negative predictive value of 80%. In summary, the available evidence is currently insufficient to determine the role of this variant in disease. Therefore, it has been classified as a Variant of Uncertain Significance.

Ambry Genetics
Classification: Uncertain significance for Inborn genetic diseases. Last evaluated: 2023-06-22. Review status: criteria provided, single submitter. Criteria: Ambry Variant Classification Scheme 2023. Collection method: clinical testing. Allele origin: germline.

NM_001379291.1(BRD4):c.658G>A (p.Ala220Thr)

Gene: BRD4 (bromodomain containing 4; minus strand). Cytogenetic location: 19p13.12.
Variant type: single nucleotide variant.
Coding change: c.658G>A on transcript NM_001379291.1 (MANE Select); coding-DNA position 658, G replaced by A.
Protein change: p.Ala220Thr; replaces alanine 220 with threonine.
Molecular consequence: missense variant.
Genome position (GRCh38, 1-based): chr19:15,265,545, C>T on the plus strand (G>A on the coding strand, the complement: BRD4 is on the minus strand). VCF-style: chr19-15265545-C-T. GRCh37 (hg19) VCF-style: chr19-15376356-C-T.
Other names: c.658G>A, p.Ala220Thr (NM_001330384.2, NM_001379292.1, NM_014299.3 and 1 more transcripts); short protein forms A220T.
Identifiers: ClinVar variation 2596245 (VCV002596245.5), dbSNP rs201727438, ClinGen allele CA305776556.